The following is an entry in ClinVar:

NM_015599.3(PGM3):c.421A>G (p.Ile141Val)

Gene: PGM3 (phosphoglucomutase 3; minus strand). Cytogenetic location: 6q14.1.
Variant type: single nucleotide variant.
Coding change: c.421A>G on transcript NM_015599.3 (MANE Select); coding-DNA position 421, A replaced by G.
Protein change: p.Ile141Val; replaces isoleucine 141 with valine.
Molecular consequence: missense variant. On other transcripts: non-coding transcript variant (1).
Genome position (GRCh38, 1-based): chr6:83,187,044, T>C on the plus strand (A>G on the coding strand, the complement: PGM3 is on the minus strand). VCF-style: chr6-83187044-T-C. GRCh37 (hg19) VCF-style: chr6-83896763-T-C.
Other names: c.505A>G, p.Ile169Val (NM_001199917.2, NM_001367287.1); c.178A>G, p.Ile60Val (NM_001199918.2); c.421A>G, p.Ile141Val (NM_001199919.2, NM_001367286.1); short protein forms I169V, I141V, I60V.
Identifiers: ClinVar variation 2135502 (VCV002135502.3), dbSNP rs1788635381, ClinGen allele CA364850566.

ClinVar aggregate classification (germline): Uncertain significance (1 of 4 stars; one submission).

Conditions:
Immunodeficiency 23 (IMD23). Also called: IMMUNODEFICIENCY WITH HYPER IgE AND COGNITIVE IMPAIRMENT; IMMUNODEFICIENCY-VASCULITIS-MYOCLONUS SYNDROME. Identifiers: Orphanet 443811, MedGen C4014371, MONDO:0014353, OMIM 615816.

Allele frequency attached by ClinVar (database versions not stated): gnomAD exomes below 0.00001.
gnomAD v4.1: 2 of 1,602,878 alleles (0.00012%); highest among the groups gnomAD compares: African/African-American, 0.0013%; no homozygotes.

Submission:

Labcorp Genetics (formerly Invitae), Labcorp
Classification: Uncertain significance for Immunodeficiency 23. Last evaluated: 2024-10-26. Review status: criteria provided, single submitter. Criteria: Invitae Variant Classification Sherloc (09022015). Collection method: clinical testing. Allele origin: germline.
Comment: This sequence change replaces isoleucine, which is neutral and non-polar, with valine, which is neutral and non-polar, at codon 169 of the PGM3 protein (p.Ile169Val). This variant is not present in population databases (gnomAD no frequency). This variant has not been reported in the literature in individuals affected with PGM3-related conditions. ClinVar contains an entry for this variant (Variation ID: 2135502). An algorithm developed to predict the effect of missense changes on protein structure and function (PolyPhen-2) suggests that this variant is likely to be tolerated. In summary, the available evidence is currently insufficient to determine the role of this variant in disease. Therefore, it has been classified as a Variant of Uncertain Significance.